The following is an entry in ClinVar:

ClinVar aggregate classification (germline): Uncertain significance (1 of 4 stars; one submission).

Conditions:
Spinocerebellar ataxia 27A. Also called: VESTIBULOCEREBELLAR DISORDER WITH PREDOMINANT OCULAR SIGNS. Identifiers: MedGen CN031884, MONDO:0008654, OMIM 193003.

Submission:

Victorian Clinical Genetics Services, Murdoch Childrens Research Institute
Classification: Uncertain significance for Spinocerebellar ataxia 27A. Last evaluated: 2023-12-21. Review status: criteria provided, single submitter. Criteria: ACMG Guidelines, 2015. Collection method: clinical testing. Allele origin: germline. Inheritance: Autosomal dominant inheritance. Affected: yes.
Comment: Based on the classification scheme VCGS_Germline_v1.3.4, this variant is classified as VUS-3A. Following criteria are met: 0103 - Dominant negative and loss of function are known mechanisms of disease in this gene and are associated with spinocerebellar ataxia 27A (MIM#193003) and spinocerebellar ataxia 27B, late-onset (MIM#620174). Dominant negative has been shown as the mechanism for one missense variant (PMID: 17978045). (I) 0107 - This gene is associated with autosomal dominant disease. (I) 0200 - Variant is predicted to result in a missense amino acid change from histidine to tyrosine. (I) 0251 - This variant is heterozygous. (I) 0301 - Variant is absent from gnomAD (both v2 and v3). (SP) 0309 - Multiple alternative amino acid changes at the same position have been observed in gnomAD (v2) (highest allele count: 6 heterozygotes, 0 homozygotes). (I) 0502 - Missense variant with conflicting in silico predictions and uninformative conservation. (I) 0600 - Variant is located in the annotated fibroblast growth factor domain (DECIPHER). (I) 0710 - Another missense variant comparable to the one identified in this case has inconclusive previous evidence for pathogenicity. p.(His86Asn) has been classified as a VUS by a clinical laboratory in ClinVar. (I) 0807 - This variant has no previous evidence of pathogenicity. (I) 0905 - No published segregation evidence has been identified for this variant. (I) 1007 - No published functional evidence has been identified for this variant. (SP) Legend: (SP) - Supporting pathogenic, (I) - Information, (SB) - Supporting benign

Literature cited by the submitters: PubMed 17978045.

NM_004115.4(FGF14):c.256C>T (p.His86Tyr)

Gene: FGF14 (fibroblast growth factor 14; minus strand). Cytogenetic location: 13q33.1.
Variant type: single nucleotide variant.
Coding change: c.256C>T on transcript NM_004115.4 (MANE Select); coding-DNA position 256, C replaced by T.
Protein change: p.His86Tyr; replaces histidine 86 with tyrosine.
Molecular consequence: missense variant. On other transcripts: intron variant (1).
Genome position (GRCh38, 1-based): chr13:101,875,234, G>A on the plus strand (C>T on the coding strand, the complement: FGF14 is on the minus strand). VCF-style: chr13-101875234-G-A. GRCh37 (hg19) VCF-style: chr13-102527584-G-A.
Other names: c.4C>T, p.His2Tyr (NM_001321931.1, NM_001321934.1, NM_001321935.1 and 4 more transcripts); c.67C>T, p.His23Tyr (NM_001321932.1, NM_001321936.1, NM_001321944.1); c.76C>T, p.His26Tyr (NM_001321933.1, NM_001321938.2, NM_001321940.1); c.271C>T, p.His91Tyr (NM_001321937.2, NM_175929.3); c.70C>T, p.His24Tyr (NM_001321941.2); c.154C>T, p.His52Tyr (NM_001321945.2, NM_001321948.2, NM_001379342.1); c.115C>T, p.His39Tyr (NM_001321947.2); c.209-6406C>T (NM_001321939.2); short protein forms H23Y, H24Y, H26Y, H2Y, H39Y, H52Y, H86Y, H91Y.
Identifiers: ClinVar variation 3255137 (VCV003255137.1), dbSNP rs758950207.